The following is an entry in ClinVar:

ClinVar aggregate classification (germline): Uncertain significance. Review status: criteria provided, multiple submitters, no conflicts (2 of 4 stars). 2 submissions from 2 submitters: Uncertain significance (2). Last evaluated 2025-09-15.

Conditions:
Inborn genetic diseases. Identifiers: MedGen C0950123, MeSH D030342.

Submissions (2):

Labcorp Genetics (formerly Invitae), Labcorp
Classification: Uncertain significance. Last evaluated: 2025-09-15. Review status: criteria provided, single submitter. Criteria: Invitae Variant Classification Sherloc (09022015). Collection method: clinical testing. Allele origin: germline.
Comment: This sequence change replaces phenylalanine, which is neutral and non-polar, with leucine, which is neutral and non-polar, at codon 924 of the SAMD9L protein (p.Phe924Leu). This variant is not present in population databases (gnomAD no frequency). This variant has not been reported in the literature in individuals affected with SAMD9L-related conditions. ClinVar contains an entry for this variant (Variation ID: 3680526). Invitae Evidence Modeling of protein sequence and biophysical properties (such as structural, functional, and spatial information, amino acid conservation, physicochemical variation, residue mobility, and thermodynamic stability) indicates that this missense variant is not expected to disrupt SAMD9L protein function with a negative predictive value of 80%. In summary, the available evidence is currently insufficient to determine the role of this variant in disease. Therefore, it has been classified as a Variant of Uncertain Significance.

Ambry Genetics
Classification: Uncertain significance for Inborn genetic diseases. Last evaluated: 2025-03-29. Review status: criteria provided, single submitter. Criteria: Ambry Variant Classification Scheme 2023. Collection method: clinical testing. Allele origin: germline.
Comment: The p.F924L variant (also known as c.2770T>C), located in coding exon 1 of the SAMD9L gene, results from a T to C substitution at nucleotide position 2770. The phenylalanine at codon 924 is replaced by leucine, an amino acid with highly similar properties. This amino acid position is conserved. In addition, the in silico prediction for this alteration is inconclusive. Based on the available evidence, the clinical significance of this variant remains unclear.

NM_152703.5(SAMD9L):c.2770T>C (p.Phe924Leu)

Gene: SAMD9L (sterile alpha motif domain containing 9 like; minus strand). Cytogenetic location: 7q21.2.
Variant type: single nucleotide variant.
Coding change: c.2770T>C on transcript NM_152703.5 (MANE Select); coding-DNA position 2770, T replaced by C.
Protein change: p.Phe924Leu; replaces phenylalanine 924 with leucine.
Molecular consequence: missense variant.
Genome position (GRCh38, 1-based): chr7:93,133,202, A>G on the plus strand (T>C on the coding strand, the complement: SAMD9L is on the minus strand). VCF-style: chr7-93133202-A-G. GRCh37 (hg19) VCF-style: chr7-92762515-A-G.
Other names: c.2770T>C (NM_152703.2); c.2770T>C, p.Phe924Leu (NM_001303496.3, NM_001303497.3, NM_001303498.3 and 5 more transcripts); short protein forms F924L.
Identifiers: ClinVar variation 3680526 (VCV003680526.3).